The following is an entry in ClinVar:

ClinVar aggregate classification (germline): Pathogenic (1 of 4 stars; one submission).

Conditions:
Intellectual developmental disorder, autosomal recessive 65. Also called: MENTAL RETARDATION, AUTOSOMAL RECESSIVE 65; Intellectual disability, autosomal recessive 65. Identifiers: MedGen C4748219, MONDO:0020850, OMIM 618109.

Submission:

3billion
Classification: Pathogenic for Intellectual developmental disorder, autosomal recessive 65. Last evaluated: 2025-07-21. Review status: criteria provided, single submitter. Criteria: ACMG Guidelines, 2015. Collection method: clinical testing. Allele origin: germline. Affected: yes.
Comment: The variant is not observed in the gnomAD v4.1.0 dataset. Predicted Consequence/Location: Frameshift: predicted to result in a loss or disruption of normal protein function through nonsense-mediated decay (NMD) or protein truncation. Multiple pathogenic variants are reported downstream of the variant. Therefore, this variant is classified as Pathogenic according to the recommendation of ACMG/AMP guideline.

NM_006618.5(KDM5B):c.3151del (p.Val1051fs)

Gene: KDM5B (lysine demethylase 5B; minus strand). Cytogenetic location: 1q32.1.
Variant type: Deletion.
Coding change: c.3151del on transcript NM_006618.5 (MANE Select); coding-DNA position 3151, one base deleted (G; older notation c.3151delG).
Protein change: p.Val1051fs; shifts the reading frame from valine 1051.
Molecular consequence: frameshift variant.
Genome position (GRCh38, 1-based): chr1:202,736,326, C deleted on the plus strand (G on the coding strand, the reverse complement: KDM5B is on the minus strand). VCF-style (leftmost placement, unchanged base first): chr1-202736325-AC-A. GRCh37 (hg19) VCF-style: chr1-202705453-AC-A.
Other names: c.3259del, p.Val1087fs (NM_001314042.2); c.3016del, p.Val1006fs (NM_001347591.2); c.3136del, p.Val1046fs (NM_001399817.1); short protein forms V1006fs, V1046fs, V1051fs, V1087fs.
Identifiers: ClinVar variation 4854719 (VCV004854719.1).